The following is an entry in ClinVar:

NM_001142800.2(EYS):c.2739-1G>T

Gene: EYS (EGF-like photoreceptor maintenance factor; minus strand). Cytogenetic location: 6q12.
Variant type: single nucleotide variant.
Coding change: c.2739-1G>T on transcript NM_001142800.2 (MANE Select); the canonical splice acceptor site of the intron before coding-DNA position 2739, G replaced by T.
Molecular consequence: splice acceptor variant.
Genome position (GRCh38, 1-based): chr6:64,902,221, C>A on the plus strand (G>T on the coding strand, the complement: EYS is on the minus strand). VCF-style: chr6-64902221-C-A. GRCh37 (hg19) VCF-style: chr6-65612114-C-A.
Other names: c.2739-1G>T (NM_001292009.2, NM_001142800.1).
Identifiers: ClinVar variation 1067313 (VCV001067313.10), dbSNP rs943468139, ClinGen allele CA140379019.
Genomic context (GRCh38, chr6:64,902,221, plus strand): 5'-GAACATTCATTAATTTCAATTTCACACAGAGATCCAGAAAACCCAGGTCTGCAAATACAC[C>A]TTTTAAACAAAAAATTTAGTAACTCCATTAGTATATATGTATAAAATCAATGCTTCAACT-3'

ClinVar aggregate classification (germline): Likely pathogenic. Review status: criteria provided, multiple submitters, no conflicts (2 of 4 stars). 3 submissions from 3 submitters: Likely pathogenic (3). Last evaluated 2025-09-09.

Conditions:
Retinitis pigmentosa 25 (RP25). Identifiers: Orphanet 791, MedGen C1864446, MONDO:0011272, OMIM 602772.

gnomAD v4.1: 12 of 1,544,594 alleles (0.00078%); highest among the groups gnomAD compares: African/African-American, 0.0014%; no homozygotes.

Submissions (3):

Labcorp Genetics (formerly Invitae), Labcorp
Classification: Likely pathogenic. Last evaluated: 2025-09-09. Review status: criteria provided, single submitter. Criteria: Invitae Variant Classification Sherloc (09022015). Collection method: clinical testing. Allele origin: germline.
Comment: This sequence change affects an acceptor splice site in intron 17 of the EYS gene. It is expected to disrupt RNA splicing. Variants that disrupt the donor or acceptor splice site typically lead to a loss of protein function (PMID: 16199547), and loss-of-function variants in EYS are known to be pathogenic (PMID: 18836446, 20333770). This variant is not present in population databases (gnomAD no frequency). This variant has not been reported in the literature in individuals affected with EYS-related conditions. ClinVar contains an entry for this variant (Variation ID: 1067313). Algorithms developed to predict the effect of sequence changes on RNA splicing suggest that this variant may disrupt the consensus splice site. In summary, the currently available evidence indicates that the variant is pathogenic, but additional data are needed to prove that conclusively. Therefore, this variant has been classified as Likely Pathogenic.

Natera, Inc.
Classification: Likely pathogenic for Retinitis pigmentosa type 25. Last evaluated: 2024-03-18. Review status: criteria provided, single submitter. Criteria: Natera Variant Classification Schema (03/2026). Collection method: clinical testing. Allele origin: germline.
Comment: The c.2739-1G>T variant in EYS is a canonical splice acceptor site variant predicted to affect pre-mRNA splicing, which may result in an abnormal transcript and altered protein product. This variant may result in a truncated or dysfunctional protein product. This variant is rare in the general population with a frequency below the threshold expected for the associated phenotype(s). Another variant at this same site results in an alteration predicted to cause a similar molecular effect has been observed in individual(s) with the associated phenotype. Given the available evidence, this variant is classified as Likely Pathogenic.

Baylor Genetics
Classification: Likely pathogenic for Retinitis pigmentosa 25. Last evaluated: 2023-04-02. Review status: criteria provided, single submitter. Criteria: ACMG Guidelines, 2015. Collection method: clinical testing. Allele origin: unknown.

Literature cited by the submitters: PubMed 16199547 (cited by Labcorp Genetics (formerly Invitae), Labcorp); PubMed 18836446 (cited by Labcorp Genetics (formerly Invitae), Labcorp); PubMed 20333770 (cited by Labcorp Genetics (formerly Invitae), Labcorp).